The following is an entry in ClinVar:

NM_019112.4(ABCA7):c.4417-1G>C

Gene: ABCA7 (ATP binding cassette subfamily A member 7; plus strand). Cytogenetic location: 19p13.3.
Variant type: single nucleotide variant.
Coding change: c.4417-1G>C on transcript NM_019112.4 (MANE Select); the canonical splice acceptor site of the intron before coding-DNA position 4417, G replaced by C.
Molecular consequence: splice acceptor variant.
Genome position (GRCh38, 1-based): chr19:1,056,329, G>C. VCF-style: chr19-1056329-G-C. GRCh37 (hg19) VCF-style: chr19-1056328-G-C.
Identifiers: ClinVar variation 2628781 (VCV002628781.2), dbSNP rs1302770627, ClinGen allele CA402976404.

ClinVar aggregate classification (germline): Uncertain significance (1 of 4 stars; one submission).

Conditions:
ABCA7-related disorder. Also called: ABCA7-related condition.

Allele frequency attached by ClinVar (database versions not stated): TOPMed below 0.00001.
gnomAD v4.1: 2 of 1,613,052 alleles (0.00012%); highest among the groups gnomAD compares: Non-Finnish European, 0.00017%; no homozygotes.

Submission:

PreventionGenetics, part of Exact Sciences
Classification: Uncertain significance for ABCA7-related condition. Last evaluated: 2025-06-03. Review status: criteria provided, single submitter. Criteria: ACMG Guidelines, 2015. Collection method: clinical testing. Allele origin: germline.
Comment: The ABCA7 c.4417-1G>C variant is predicted to disrupt the AG splice acceptor site and interfere with normal splicing. To our knowledge, this variant has not been reported in the literature. This variant is reported in 0.00089% of alleles in individuals of European (Non-Finnish) descent in gnomAD. Although we suspect that this variant may be pathogenic, at this time, the clinical significance of this variant is uncertain due to the absence of conclusive functional and genetic evidence.